The following is an entry in ClinVar:

ClinVar aggregate classification (germline): Pathogenic (1 of 4 stars; one submission).

Conditions:
Familial cancer of breast. Also called: BREAST CANCER, FAMILIAL; Hereditary breast cancer; hereditary breast carcinoma. Identifiers: Orphanet 227535, MedGen C0346153, MONDO:0016419, OMIM 114480. Disease mechanism: loss of function.

Submission:

Myriad Genetics, Inc.
Classification: Pathogenic for Familial cancer of breast. Last evaluated: 2026-09-29. Review status: criteria provided, single submitter. Criteria: Myriad Autosomal Dominant, Autosomal Recessive and X-Linked Classification Criteria (2023). Collection method: clinical testing. Allele origin: unknown.
Comment: This variant is considered pathogenic. This variant creates a termination codon and is predicted to result in premature protein truncation.

NM_024675.4(PALB2):c.1329_1342del (p.Lys443_Asn444insTer)

Gene: PALB2 (partner and localizer of BRCA2; minus strand). Cytogenetic location: 16p12.2.
Variant type: Deletion.
Coding change: c.1329_1342del on transcript NM_024675.4 (MANE Select); coding-DNA positions 1329 to 1342, 14 bases deleted (AAATAAGGATGCAA).
Protein change: p.Lys443_Asn444insTer.
Molecular consequence: frameshift variant. On other transcripts: intron variant (3).
Genome position (GRCh38, 1-based): chr16:23,635,204-23,635,217, TTGCATCCTTATTT deleted on the plus strand (AAATAAGGATGCAA on the coding strand, the reverse complement: PALB2 is on the minus strand); deleting any 14 consecutive bases within chr16:23,635,204-23,635,219 gives the same sequence; the c. name uses the placement nearest the transcript's 3' end. VCF-style (leftmost placement, unchanged base first): chr16-23635203-CTTGCATCCTTATTT-C. GRCh37 (hg19) VCF-style: chr16-23646524-CTTGCATCCTTATTT-C.
Other names: c.1269_1282del, p.Lys423_Asn424insTer (NM_001407296.1); c.1329_1342del, p.Lys443_Asn444insTer (NM_001407297.1, NM_001407298.1, NM_001407299.1 and 3 more transcripts); c.444_457del, p.Lys148_Asn149insTer (NM_001407304.1, NM_001407305.1, NM_001407306.1 and 5 more transcripts); c.48+5893_48+5906del (NM_001407314.1); c.-104-4748_-104-4735del (NM_001407313.1, NM_001407312.1).
Identifiers: ClinVar variation 5042306 (VCV005042306.1).